The following is an entry in ClinVar:

ClinVar aggregate classification (germline): Likely pathogenic (1 of 4 stars; one submission).

Conditions:
Fliedner-Zweier syndrome (FZS). Identifiers: MedGen C5882693, MONDO:0957787, OMIM 620511.

Submission:

Variantyx, Inc.
Classification: Likely pathogenic for Fliedner-Zweier syndrome. Last evaluated: 2025-07-31. Review status: criteria provided, single submitter. Criteria: Variantyx Assertion Criteria 2022. Collection method: clinical testing. Allele origin: de novo. Inheritance: Autosomal dominant inheritance. Affected: no.
Comment: This is a frameshift variant in the SCAF4 gene (OMIM: 616023). Pathogenic variants in this gene have been associated with autosomal dominant Fliedner-Zweier syndrome. This variant introduces a premature termination codon in exon 10 out of 20 and is expected to result in loss of function, which is a known disease mechanism for SCAF4 in this disorder (PMID: 32730804) (PVS1). This variant is absent from control populations (PM2), and it has not been reported in individuals with SCAF4-related disorders in the databases available for review. Based on the current evidence, this variant is classified as likely pathogenic for autosomal dominant Fliedner-Zweier syndrome.Inheritance from an unaffected or mildly affected parent has been reported in the SCAF4 gene, consistent with incomplete penetrance and/or variable expressivity (PMID: 32730804). However, majority of the loss of functions variants described in affected individuals have likely occurred de novo (PMID: 32730804, 36333968,37394306).

Literature cited by the submitters: PubMed 32730804; PubMed 36333968; PubMed 37394306.

NM_020706.2(SCAF4):c.1113dup (p.Pro372fs)

Gene: SCAF4 (SR-related CTD associated factor 4; minus strand). Cytogenetic location: 21q22.11.
Variant type: Duplication.
Coding change: c.1113dup on transcript NM_020706.2 (MANE Select); coding-DNA position 1113, one base duplicated (T; older notation c.1113dupT).
Protein change: p.Pro372fs; shifts the reading frame from proline 372.
Molecular consequence: frameshift variant.
Genome position (GRCh38, 1-based): chr21:31,694,936, A duplicated on the plus strand (T on the coding strand, the reverse complement: SCAF4 is on the minus strand); the first of 2 consecutive A bases (chr21:31,694,936-31,694,937); duplicating either gives the same sequence. VCF-style (leftmost placement, unchanged base first): chr21-31694935-G-GA. GRCh37 (hg19) VCF-style: chr21-33067248-G-GA.
Other names: c.1068dup, p.Pro357fs (NM_001145444.1); c.1113dup, p.Pro372fs (NM_001145445.1); short protein forms P357fs, P372fs.
Identifiers: ClinVar variation 4852216 (VCV004852216.1).